The following is an entry in ClinVar:

NM_000834.5(GRIN2B):c.177CCA[1] (p.His61del)

Gene: GRIN2B (glutamate ionotropic receptor NMDA type subunit 2B; minus strand). Cytogenetic location: 12p13.1.
Variant type: Microsatellite.
Coding change: c.177CCA[1] on transcript NM_000834.5 (MANE Select); one copy of the 3-base unit CCA starting at c.177; the reference has two copies in a row; one copy, 3 bases deleted.
Protein change: p.His61del; deletes histidine 61.
Molecular consequence: inframe deletion.
Genome position (GRCh38, 1-based): chr12:13,866,027-13,866,029, TGG deleted on the plus strand (CCA on the coding strand, the reverse complement: GRIN2B is on the minus strand); deleting any 3 consecutive bases within chr12:13,866,027-13,866,032 gives the same sequence; the position shown is the placement nearest the transcript's 3' end. VCF-style (leftmost placement, unchanged base first): chr12-13866026-ATGG-A. GRCh37 (hg19) VCF-style: chr12-14018960-ATGG-A.
Other names: c.177CCA[1], p.His61del (NM_001413992.1, NM_001413993.1, NM_001413994.1 and 1 more transcripts); short protein forms H61del.
Identifiers: ClinVar variation 2941728 (VCV002941728.3), dbSNP rs2497983830, ClinGen allele CA2740090809.

ClinVar aggregate classification (germline): Uncertain significance (1 of 4 stars; one submission).

Conditions:
Intellectual developmental disorder, autosomal dominant 6, with or without seizures. Also called: GRIN2B-related developmental delay, intellectual disability and autism spectrum disorder; Intellectual disability, autosomal dominant 6. Identifiers: Orphanet 589547, MedGen C3151411, MONDO:0013509, OMIM 613970.
Developmental and epileptic encephalopathy, 27 (DEE27). Also called: Epileptic encephalopathy, early infantile, 27; GRIN2B-Related Neurodevelopmental Disorder. Identifiers: Orphanet 3451, MedGen C4015316, MONDO:0014505, OMIM 616139.

Submission:

Labcorp Genetics (formerly Invitae), Labcorp
Classification: Uncertain significance for Developmental and epileptic encephalopathy, 27; Intellectual developmental disorder, autosomal dominant 6, with or without seizures. Last evaluated: 2024-05-15. Review status: criteria provided, single submitter. Criteria: Invitae Variant Classification Sherloc (09022015). Collection method: clinical testing. Allele origin: germline.
Comment: This variant, c.180_182del, results in the deletion of 1 amino acid(s) of the GRIN2B protein (p.His61del), but otherwise preserves the integrity of the reading frame. This variant is not present in population databases (gnomAD no frequency). This variant has not been reported in the literature in individuals affected with GRIN2B-related conditions. Experimental studies and prediction algorithms are not available or were not evaluated, and the functional significance of this variant is currently unknown. In summary, the available evidence is currently insufficient to determine the role of this variant in disease. Therefore, it has been classified as a Variant of Uncertain Significance.